The following is an entry in ClinVar:

ClinVar aggregate classification (germline): Uncertain significance (1 of 4 stars; one submission).

Submission:

Labcorp Genetics (formerly Invitae), Labcorp
Classification: Uncertain significance. Last evaluated: 2025-01-29. Review status: criteria provided, single submitter. Criteria: Invitae Variant Classification Sherloc (09022015). Collection method: clinical testing. Allele origin: germline.
Comment: This sequence change replaces alanine, which is neutral and non-polar, with glycine, which is neutral and non-polar, at codon 503 of the GRM6 protein (p.Ala503Gly). This variant is not present in population databases (gnomAD no frequency). This variant has not been reported in the literature in individuals affected with GRM6-related conditions. Invitae Evidence Modeling of protein sequence and biophysical properties (such as structural, functional, and spatial information, amino acid conservation, physicochemical variation, residue mobility, and thermodynamic stability) indicates that this missense variant is not expected to disrupt GRM6 protein function with a negative predictive value of 95%. In summary, the available evidence is currently insufficient to determine the role of this variant in disease. Therefore, it has been classified as a Variant of Uncertain Significance.

NM_000843.4(GRM6):c.1508C>G (p.Ala503Gly)

Genes: GRM6 (glutamate metabotropic receptor 6; minus strand), ZNF454 (zinc finger protein 454; plus strand). Cytogenetic location: 5q35.3.
Variant type: single nucleotide variant.
Coding change: c.1508C>G on transcript NM_000843.4 (MANE Select); coding-DNA position 1508, C replaced by G.
Protein change: p.Ala503Gly; replaces alanine 503 with glycine.
Molecular consequence: missense variant.
Genome position (GRCh38, 1-based): chr5:178,986,746, G>C on the plus strand (C>G on the coding strand, the complement: GRM6 is on the minus strand). VCF-style: chr5-178986746-G-C. GRCh37 (hg19) VCF-style: chr5-178413747-G-C.
Other names: short protein forms A503G.
Identifiers: ClinVar variation 4700005 (VCV004700005.1).